The following is an entry in ClinVar:

ClinVar aggregate classification (germline): Uncertain significance (0 of 4 stars; one submission).

Conditions:
VPS13B-related disorder. Also called: VPS13B-related condition.

Submission:

PreventionGenetics, part of Exact Sciences
Classification: Uncertain significance for VPS13B-related condition. Last evaluated: 2024-05-06. Review status: no assertion criteria provided. Collection method: clinical testing. Allele origin: germline.
Comment: The VPS13B c.9477C>A variant is not predicted to result in an amino acid change (p.=). To our knowledge, this variant has not been reported in the literature or in a large population database, indicating this variant is rare. At this time, the clinical significance of this variant is uncertain due to the absence of conclusive functional and genetic evidence.

NM_152564.5(VPS13B):c.9477C>A (p.Ile3159=)

Gene: VPS13B (vacuolar protein sorting 13 homolog B; plus strand). Cytogenetic location: 8q22.2.
Variant type: single nucleotide variant.
Coding change: c.9477C>A on transcript NM_152564.5 (MANE Select); coding-DNA position 9477, C replaced by A.
Protein change: p.Ile3159=; no amino-acid change (isoleucine 3159 retained).
Molecular consequence: synonymous variant.
Genome position (GRCh38, 1-based): chr8:99,832,515, C>A. VCF-style: chr8-99832515-C-A. GRCh37 (hg19) VCF-style: chr8-100844743-C-A.
Other names: c.9552C>A, p.Ile3184= (NM_017890.5).
Identifiers: ClinVar variation 3345668 (VCV003345668.1).